The following is an entry in ClinVar:

NM_001040142.2(SCN2A):c.1661C>T (p.Ser554Phe)

Gene: SCN2A (sodium voltage-gated channel alpha subunit 2; plus strand). Cytogenetic location: 2q24.3.
Variant type: single nucleotide variant.
Coding change: c.1661C>T on transcript NM_001040142.2 (MANE Select); coding-DNA position 1661, C replaced by T.
Protein change: p.Ser554Phe; replaces serine 554 with phenylalanine.
Molecular consequence: missense variant.
Genome position (GRCh38, 1-based): chr2:165,315,748, C>T. VCF-style: chr2-165315748-C-T. GRCh37 (hg19) VCF-style: chr2-166172258-C-T.
Other names: c.1661C>T, p.Ser554Phe (NM_001040143.2, NM_001371246.1, NM_001371247.1 and 1 more transcripts); short protein forms S554F.
Identifiers: ClinVar variation 843513 (VCV000843513.13), dbSNP rs764865753, ClinGen allele CA1939848.

ClinVar aggregate classification (germline): Uncertain significance. Review status: criteria provided, multiple submitters, no conflicts (2 of 4 stars). 3 submissions from 3 submitters: Uncertain significance (3). Last evaluated 2025-12-08.

Conditions:
Developmental and epileptic encephalopathy, 11 (DEE11). Also called: Early infantile epileptic encephalopathy 11. Identifiers: Orphanet 1934, MedGen C3150987, MONDO:0013388, OMIM 613721.
Seizures, benign familial infantile, 3 (BFIS3). Also called: Familial neonatal seizures; CONVULSIONS, BENIGN FAMILIAL INFANTILE, 3. Identifiers: Orphanet 140927, Orphanet 306, MedGen C1843140, MONDO:0011904, OMIM 607745.
Inborn genetic diseases. Identifiers: MedGen C0950123, MeSH D030342.

Allele frequency attached by ClinVar (database versions not stated): ExAC 0.00001; gnomAD 0.00001; gnomAD exomes 0.00001 and 0.00002.
gnomAD v4.1: 7 of 1,610,580 alleles (0.00043%); highest among the groups gnomAD compares: Admixed American, 0.01%; no homozygotes.

Submissions (3):

Labcorp Genetics (formerly Invitae), Labcorp
Classification: Uncertain significance for Seizures, benign familial infantile, 3; Developmental and epileptic encephalopathy, 11. Last evaluated: 2025-12-08. Review status: criteria provided, single submitter. Criteria: Invitae Variant Classification Sherloc (09022015). Collection method: clinical testing. Allele origin: germline.
Comment: This sequence change replaces serine, which is neutral and polar, with phenylalanine, which is neutral and non-polar, at codon 554 of the SCN2A protein (p.Ser554Phe). This variant is present in population databases (rs764865753, gnomAD 0.01%). This missense change has been observed in individual(s) with clinical features of SCN2A-related conditions (internal data). ClinVar contains an entry for this variant (Variation ID: 843513). Invitae Evidence Modeling of protein sequence and biophysical properties (such as structural, functional, and spatial information, amino acid conservation, physicochemical variation, residue mobility, and thermodynamic stability) indicates that this missense variant is expected to disrupt SCN2A protein function with a positive predictive value of 95%. In summary, the available evidence is currently insufficient to determine the role of this variant in disease. Therefore, it has been classified as a Variant of Uncertain Significance.

GeneDx
Classification: Uncertain significance. Last evaluated: 2023-02-23. Review status: criteria provided, single submitter. Criteria: GeneDx Variant Classification Process June 2021. Collection method: clinical testing. Allele origin: germline. Affected: yes.
Comment: Missense variants in this gene are often considered pathogenic (HGMD); In silico analysis supports that this missense variant has a deleterious effect on protein structure/function; Has not been previously published as pathogenic or benign to our knowledge; This substitution is predicted to be in the cytoplasmic loop between the first and second homologous domains

Ambry Genetics
Classification: Uncertain significance for Inborn genetic diseases. Last evaluated: 2018-06-12. Review status: criteria provided, single submitter. Criteria: Ambry Variant Classification Scheme 2023. Collection method: clinical testing. Allele origin: germline.
Comment: The p.S554F variant (also known as c.1661C>T), located in coding exon 10 of the SCN2A gene, results from a C to T substitution at nucleotide position 1661. The serine at codon 554 is replaced by phenylalanine, an amino acid with highly dissimilar properties. This amino acid position is well conserved in available vertebrate species; however, phenylalanine is the reference amino acid in other vertebrate species. In addition, the in silico prediction for this alteration is inconclusive. Since supporting evidence is limited at this time, the clinical significance of this alteration remains unclear.